The following is an entry in ClinVar:

ClinVar aggregate classification (germline): Uncertain significance (1 of 4 stars; one submission).

gnomAD v4.1: 27 of 1,613,596 alleles (0.0017%); highest among the groups gnomAD compares: South Asian, 0.0055%; no homozygotes.

Submission:

Labcorp Genetics (formerly Invitae), Labcorp
Classification: Uncertain significance. Last evaluated: 2022-10-15. Review status: criteria provided, single submitter. Criteria: Invitae Variant Classification Sherloc (09022015). Collection method: clinical testing. Allele origin: germline.
Comment: In summary, the available evidence is currently insufficient to determine the role of this variant in disease. Therefore, it has been classified as a Variant of Uncertain Significance. Advanced modeling of protein sequence and biophysical properties (such as structural, functional, and spatial information, amino acid conservation, physicochemical variation, residue mobility, and thermodynamic stability) performed at Invitae indicates that this missense variant is not expected to disrupt SAG protein function. This variant has not been reported in the literature in individuals affected with SAG-related conditions. This variant is present in population databases (rs763815691, gnomAD 0.01%). This sequence change replaces arginine, which is basic and polar, with glutamine, which is neutral and polar, at codon 175 of the SAG protein (p.Arg175Gln).

NM_000541.5(SAG):c.524G>A (p.Arg175Gln)

Gene: SAG (S-antigen visual arrestin; plus strand). Cytogenetic location: 2q37.1.
Variant type: single nucleotide variant.
Coding change: c.524G>A on transcript NM_000541.5 (MANE Select); coding-DNA position 524, G replaced by A.
Protein change: p.Arg175Gln; replaces arginine 175 with glutamine.
Molecular consequence: missense variant.
Genome position (GRCh38, 1-based): chr2:233,328,489, G>A. VCF-style: chr2-233328489-G-A. GRCh37 (hg19) VCF-style: chr2-234237135-G-A.
Other names: short protein forms R175Q.
Identifiers: ClinVar variation 1937615 (VCV001937615.5), dbSNP rs763815691, ClinGen allele CA2174430.